The following is an entry in ClinVar:

NM_001330260.2(SCN8A):c.3246C>A (p.Asp1082Glu)

Gene: SCN8A (sodium voltage-gated channel alpha subunit 8; plus strand). Cytogenetic location: 12q13.13.
Variant type: single nucleotide variant.
Coding change: c.3246C>A on transcript NM_001330260.2 (MANE Select); coding-DNA position 3246, C replaced by A.
Protein change: p.Asp1082Glu; replaces aspartic acid 1082 with glutamic acid.
Molecular consequence: missense variant.
Genome position (GRCh38, 1-based): chr12:51,769,209, C>A. VCF-style: chr12-51769209-C-A. GRCh37 (hg19) VCF-style: chr12-52162993-C-A.
Other names: c.3246C>A, p.Asp1082Glu (NM_001177984.3, NM_001369788.1, NM_014191.4); short protein forms D1082E.
Identifiers: ClinVar variation 1717828 (VCV001717828.5), dbSNP rs775782402, ClinGen allele CA6571564.

ClinVar aggregate classification (germline): Uncertain significance (1 of 4 stars; one submission).

Conditions:
Early-infantile DEE. Also called: Early infantile epileptic encephalopathy with suppression bursts; Early infantile epileptic encephalopathy; Ohtahara syndrome. Identifiers: Orphanet 1934, MedGen C0393706, MONDO:0800491.

Allele frequency attached by ClinVar (database versions not stated): gnomAD exomes below 0.00001; ExAC 0.00001.
gnomAD v4.1: 3 of 1,613,906 alleles (0.00019%); highest among the groups gnomAD compares: Non-Finnish European, 0.00025%; no homozygotes.

Submission:

Labcorp Genetics (formerly Invitae), Labcorp
Classification: Uncertain significance for Early-infantile DEE. Last evaluated: 2022-08-23. Review status: criteria provided, single submitter. Criteria: Invitae Variant Classification Sherloc (09022015). Collection method: clinical testing. Allele origin: germline.
Comment: This sequence change replaces aspartic acid, which is acidic and polar, with glutamic acid, which is acidic and polar, at codon 1082 of the SCN8A protein (p.Asp1082Glu). This variant is present in population databases (rs775782402, gnomAD 0.0009%). This variant has not been reported in the literature in individuals affected with SCN8A-related conditions. Algorithms developed to predict the effect of missense changes on protein structure and function are either unavailable or do not agree on the potential impact of this missense change (SIFT: "Deleterious"; PolyPhen-2: "Benign"; Align-GVGD: "Class C0"). In summary, the available evidence is currently insufficient to determine the role of this variant in disease. Therefore, it has been classified as a Variant of Uncertain Significance.